The following is an entry in ClinVar:

ClinVar aggregate classification (germline): Likely benign. Review status: criteria provided, multiple submitters, no conflicts (2 of 4 stars). 3 submissions from 3 submitters: Likely benign (3). Last evaluated 2025-10-10.

Conditions:
Dilated cardiomyopathy 2B. Identifiers: Orphanet 154, MedGen C3553409, MONDO:0013848, OMIM 614672.
Cardiovascular phenotype. Identifiers: MedGen CN230736.

Allele frequency attached by ClinVar (database versions not stated): gnomAD 0.00002; TOPMed 0.00002.
gnomAD v4.1: 6 of 1,286,280 alleles (0.00047%); highest among the groups gnomAD compares: African/African-American, 0.0094%; no homozygotes.

Submissions (3):

Labcorp Genetics (formerly Invitae), Labcorp
Classification: Likely benign for Dilated cardiomyopathy 2B. Last evaluated: 2025-10-10. Review status: criteria provided, single submitter. Criteria: Invitae Variant Classification Sherloc (09022015). Collection method: clinical testing. Allele origin: germline.

Ambry Genetics
Classification: Likely benign for Cardiovascular phenotype. Last evaluated: 2022-09-05. Review status: criteria provided, single submitter. Criteria: Ambry Variant Classification Scheme 2023. Collection method: clinical testing. Allele origin: germline.

GeneDx
Classification: Likely benign. Last evaluated: 2018-02-07. Review status: criteria provided, single submitter. Criteria: GeneDx Variant Classification (06012015). Collection method: clinical testing. Allele origin: germline. Affected: yes.
Comment: This variant is considered likely benign or benign based on one or more of the following criteria: it is a conservative change, it occurs at a poorly conserved position in the protein, it is predicted to be benign by multiple in silico algorithms, and/or has population frequency not consistent with disease.

NM_021167.5(GATAD1):c.156T>A (p.Thr52=)

Genes: GATAD1 (GATA zinc finger domain containing 1; plus strand), LOC129998793 (ATAC-STARR-seq lymphoblastoid silent region 18371; plus strand). Cytogenetic location: 7q21.2.
Variant type: single nucleotide variant.
Coding change: c.156T>A on transcript NM_021167.5 (MANE Select); coding-DNA position 156, T replaced by A.
Protein change: p.Thr52=; no amino-acid change (threonine 52 retained).
Molecular consequence: synonymous variant. On other transcripts: non-coding transcript variant (1).
Genome position (GRCh38, 1-based): chr7:92,447,885, T>A. VCF-style: chr7-92447885-T-A. GRCh37 (hg19) VCF-style: chr7-92077199-T-A.
Identifiers: ClinVar variation 515249 (VCV000515249.8), dbSNP rs1354851656, ClinGen allele CA456623150.